The following is an entry in ClinVar:

ClinVar aggregate classification (germline): Uncertain significance (1 of 4 stars; one submission).

Submission:

Labcorp Genetics (formerly Invitae), Labcorp
Classification: Uncertain significance. Last evaluated: 2025-03-31. Review status: criteria provided, single submitter. Criteria: Invitae Variant Classification Sherloc (09022015). Collection method: clinical testing. Allele origin: germline.
Comment: This sequence change replaces methionine, which is neutral and non-polar, with threonine, which is neutral and polar, at codon 134 of the FUK protein (p.Met134Thr). This variant is not present in population databases (gnomAD no frequency). This variant has not been reported in the literature in individuals affected with FUK-related conditions. An algorithm developed to predict the effect of missense changes on protein structure and function (PolyPhen-2) suggests that this variant is likely to be disruptive. In summary, the available evidence is currently insufficient to determine the role of this variant in disease. Therefore, it has been classified as a Variant of Uncertain Significance.

NM_145059.3(FCSK):c.401T>C (p.Met134Thr)

Gene: FCSK (fucose kinase; plus strand). Cytogenetic location: 16q22.1.
Variant type: single nucleotide variant.
Coding change: c.401T>C on transcript NM_145059.3 (MANE Select); coding-DNA position 401, T replaced by C.
Protein change: p.Met134Thr; replaces methionine 134 with threonine.
Molecular consequence: missense variant.
Genome position (GRCh38, 1-based): chr16:70,466,247, T>C. VCF-style: chr16-70466247-T-C. GRCh37 (hg19) VCF-style: chr16-70500150-T-C.
Other names: short protein forms M134T.
Identifiers: ClinVar variation 4716335 (VCV004716335.1).